The following is an entry in ClinVar:

NM_005097.4(LGI1):c.1106C>G (p.Ser369Cys)

Gene: LGI1 (leucine rich glioma inactivated 1; plus strand). Cytogenetic location: 10q23.33.
Variant type: single nucleotide variant.
Coding change: c.1106C>G on transcript NM_005097.4 (MANE Select); coding-DNA position 1106, C replaced by G.
Protein change: p.Ser369Cys; replaces serine 369 with cysteine.
Molecular consequence: missense variant. On other transcripts: non-coding transcript variant (1), intron variant (1).
Genome position (GRCh38, 1-based): chr10:93,797,235, C>G. VCF-style: chr10-93797235-C-G. GRCh37 (hg19) VCF-style: chr10-95556992-C-G.
Other names: p.S369C:TCC>TGC; c.962C>G, p.Ser321Cys (NM_001308276.2); c.839-514C>G (NM_001308275.2); short protein forms S369C, S321C.
Identifiers: ClinVar variation 206028 (VCV000206028.2), dbSNP rs150357603, ClinGen allele CA315717.

ClinVar aggregate classification (germline): Uncertain significance (1 of 4 stars; one submission).

gnomAD v4.1: 2 of 1,614,154 alleles (0.00012%); highest among the groups gnomAD compares: Non-Finnish European, 0.00017%; no homozygotes.

Submission:

GeneDx
Classification: Uncertain significance. Last evaluated: 2014-06-10. Review status: criteria provided, single submitter. Criteria: GeneDx Variant Classification (06012015). Collection method: clinical testing. Allele origin: germline. Affected: yes.
Comment: p.Ser369Cys: c.1106 C>G in the LGI1. The S369C variant has not been published as a mutation, nor has it been reported as a benign polymorphism to our knowledge. It was not observed in approximately 6,500 individuals of European and African American ancestry in the NHLBI Exome Sequencing Project, indicating it is not a common benign variant in these populations. The S369C variant is a non-conservative amino acid substitution, which is likely to impact secondary protein structure as these residues differ in polarity, charge, size and/or other properties. This substitution occurs at a position that is conserved in mammals, and in silico analysis predicts this variant is probably damaging to the protein structure/function. However, no missense mutations in nearby residues have been reported .The identification of S369C suggests that S369C may be a benign variant ; however, the possibility that it is a disease-associated mutation cannot be excluded . Therefore, the identification of S369C does not clarify the clinical significance of the variant.The variant is found in EPILEPSY panel(s).